The following is an entry in ClinVar:

ClinVar aggregate classification (germline): Uncertain significance. Review status: criteria provided, multiple submitters, no conflicts (2 of 4 stars). 2 submissions from 2 submitters: Uncertain significance (2). Last evaluated 2025-09-05.

Conditions:
Hereditary cancer-predisposing syndrome. Also called: Neoplastic Syndromes, Hereditary; Tumor predisposition; Hereditary Cancer Syndrome; Hereditary neoplastic syndrome. Identifiers: Orphanet 140162, MedGen C0027672, MeSH D009386, MONDO:0015356.
Gastrointestinal stromal tumor. Also called: Gastrointestinal stromal tumor, somatic; Gastrointestinal stroma tumor. Identifiers: Orphanet 44890, MedGen C0238198, MeSH D046152, MONDO:0011719, OMIM 606764, HP:0100723.

gnomAD v4.1: 2 of 1,611,222 alleles (0.00012%); highest among the groups gnomAD compares: Non-Finnish European, 0.00017%; no homozygotes.

Submissions (2):

Ambry Genetics
Classification: Uncertain significance for Hereditary cancer-predisposing syndrome. Last evaluated: 2025-09-05. Review status: criteria provided, single submitter. Criteria: Ambry Variant Classification Scheme 2023. Collection method: clinical testing. Allele origin: germline.
Comment: The p.P937L variant (also known as c.2810C>T), located in coding exon 20 of the PDGFRA gene, results from a C to T substitution at nucleotide position 2810. The proline at codon 937 is replaced by leucine, an amino acid with similar properties. This amino acid position is well conserved in available vertebrate species. In addition, the in silico prediction for this alteration is inconclusive. Based on the available evidence, the clinical significance of this variant remains unclear.

Labcorp Genetics (formerly Invitae), Labcorp
Classification: Uncertain significance for Gastrointestinal stromal tumor. Last evaluated: 2024-07-30. Review status: criteria provided, single submitter. Criteria: Invitae Variant Classification Sherloc (09022015). Collection method: clinical testing. Allele origin: germline.
Comment: This sequence change replaces proline, which is neutral and non-polar, with leucine, which is neutral and non-polar, at codon 937 of the PDGFRA protein (p.Pro937Leu). This variant is not present in population databases (gnomAD no frequency). This variant has not been reported in the literature in individuals affected with PDGFRA-related conditions. Advanced modeling of protein sequence and biophysical properties (such as structural, functional, and spatial information, amino acid conservation, physicochemical variation, residue mobility, and thermodynamic stability) has been performed at Invitae for this missense variant, however the output from this modeling did not meet the statistical confidence thresholds required to predict the impact of this variant on PDGFRA protein function. In summary, the available evidence is currently insufficient to determine the role of this variant in disease. Therefore, it has been classified as a Variant of Uncertain Significance.

NM_006206.6(PDGFRA):c.2810C>T (p.Pro937Leu)

Gene: PDGFRA (platelet derived growth factor receptor alpha; plus strand). Cytogenetic location: 4q12.
Variant type: single nucleotide variant.
Coding change: c.2810C>T on transcript NM_006206.6 (MANE Select); coding-DNA position 2810, C replaced by T.
Protein change: p.Pro937Leu; replaces proline 937 with leucine.
Molecular consequence: missense variant.
Genome position (GRCh38, 1-based): chr4:54,289,044, C>T. VCF-style: chr4-54289044-C-T. GRCh37 (hg19) VCF-style: chr4-55155211-C-T.
Other names: c.2885C>T, p.Pro962Leu (NM_001347828.2); c.2810C>T, p.Pro937Leu (NM_001347829.2); c.2849C>T, p.Pro950Leu (NM_001347830.2); short protein forms P937L, P962L, P950L.
Identifiers: ClinVar variation 3636599 (VCV003636599.3), dbSNP rs267600188.